The following is an entry in ClinVar:

ClinVar aggregate classification (germline): Uncertain significance (1 of 4 stars; one submission).

Submission:

Labcorp Genetics (formerly Invitae), Labcorp
Classification: Uncertain significance. Last evaluated: 2022-04-08. Review status: criteria provided, single submitter. Criteria: Invitae Variant Classification Sherloc (09022015). Collection method: clinical testing. Allele origin: germline.
Comment: In summary, the available evidence is currently insufficient to determine the role of this variant in disease. Therefore, it has been classified as a Variant of Uncertain Significance. This variant has not been reported in the literature in individuals affected with OBSL1-related conditions. This variant is not present in population databases (gnomAD no frequency). This sequence change creates a premature translational stop signal (p.Val1466Cysfs*70) in the OBSL1 gene. However, it is currently unclear if variants that occur in this region of the gene cause disease.

NM_015311.3(OBSL1):c.4396del (p.Val1466fs)

Gene: OBSL1 (obscurin like cytoskeletal adaptor 1; minus strand). Cytogenetic location: 2q35.
Variant type: Deletion.
Coding change: c.4396del on transcript NM_015311.3 (MANE Select); coding-DNA position 4396, one base deleted (G; older notation c.4396delG).
Protein change: p.Val1466fs; shifts the reading frame from valine 1466.
Molecular consequence: frameshift variant.
Genome position (GRCh38, 1-based): chr2:219,556,233, C deleted on the plus strand (G on the coding strand, the reverse complement: OBSL1 is on the minus strand). VCF-style (leftmost placement, unchanged base first): chr2-219556232-AC-A. GRCh37 (hg19) VCF-style: chr2-220420954-AC-A.
Other names: c.4396del, p.Val1466fs (NM_001173431.2); short protein forms V1466fs.
Identifiers: ClinVar variation 2122839 (VCV002122839.4), dbSNP rs2546213280, ClinGen allele CA2580065788.